The following is an entry in ClinVar:

ClinVar aggregate classification (germline): Conflicting classifications of pathogenicity. Review status: criteria provided, conflicting classifications (1 of 4 stars). 3 submissions from 3 submitters: Pathogenic (1); Uncertain significance (2). Last evaluated 2025-05-28.

Conditions:
Cardiovascular phenotype. Identifiers: MedGen CN230736.
Hypertrophic cardiomyopathy. Also called: HYPERTROPHIC MYOCARDIOPATHY. Identifiers: Orphanet 217569, MedGen C0007194, MeSH D002312, MONDO:0005045, HP:0001639.

Submissions (3):

Labcorp Genetics (formerly Invitae), Labcorp
Classification: Uncertain significance for Hypertrophic cardiomyopathy. Last evaluated: 2025-05-28. Review status: criteria provided, single submitter. Criteria: Invitae Variant Classification Sherloc (09022015). Collection method: clinical testing. Allele origin: germline.
Comment: This sequence change replaces glycine, which is neutral and non-polar, with aspartic acid, which is acidic and polar, at codon 805 of the MYBPC3 protein (p.Gly805Asp). This variant is not present in population databases (gnomAD no frequency). This variant has not been reported in the literature in individuals affected with MYBPC3-related conditions. ClinVar contains an entry for this variant (Variation ID: 180969). An algorithm developed to predict the effect of missense changes on protein structure and function (PolyPhen-2) suggests that this variant is likely to be disruptive. In summary, the available evidence is currently insufficient to determine the role of this variant in disease. Therefore, it has been classified as a Variant of Uncertain Significance.

Ambry Genetics
Classification: Uncertain significance for Cardiovascular phenotype. Last evaluated: 2020-10-02. Review status: criteria provided, single submitter. Criteria: Ambry Variant Classification Scheme 2023. Collection method: clinical testing. Allele origin: germline.
Comment: The p.G805D variant (also known as c.2414G>A), located in coding exon 25 of the MYBPC3 gene, results from a G to A substitution at nucleotide position 2414. This variant impacts the first base pair of coding exon 25. The glycine at codon 805 is replaced by aspartic acid, an amino acid with similar properties. This amino acid position is highly conserved in available vertebrate species. In addition, this alteration is predicted to be deleterious by in silico analysis. Since supporting evidence is limited at this time, the clinical significance of this alteration remains unclear.

GeneDx
Classification: Pathogenic. Last evaluated: 2013-04-05. Review status: criteria provided, single submitter. Criteria: GeneDx Variant Classification (06012015). Collection method: clinical testing. Allele origin: germline. Affected: yes.
Comment: p.Gly805Asp (GGC>GAC): c.2414 G>A in exon 25 of the MYBPC3 gene (NM_000256.3). While the Gly805Asp mutation in the MYBPC3 gene has not been reported to our knowledge, a mutation affecting this same codon, Gly805Ser, has been reported in association with HCM (Kubo et al., 2011). Additionally, mutations in nearby residues (Trp792Arg, Arg810His) have been reported in association with HCM, further supporting the functional importance of this codon and this region of the protein. Gly805Asp results in a non-conservative amino acid substitution of non-polar Glycine residue with a negatively charged Aspartic acid residue at a position that is conserved across species. In silico analysis predicts Gly805Asp is probably damaging to the protein structure/function. Furthermore, Gly805Asp was not observed in approximately 6,300 individuals of European and African American ancestry in the NHLBI Exome Sequencing Project, indicating it is not a common benign variant in these populations.In summary, Gly805Asp in the MYBPC3 gene is interpreted as a likely disease-causing mutation. Mutations in the MYBPC3 gene have been reported in 20%-30% of patients with autosomal dominant familial hypertrophic cardiomyopathy, and have been reported less frequently in patients with autosomal dominant familial dilated cardiomyopathy (Cirino A et al., 2011; Hershberger R et al., 2009). The variant is found in HCM panel(s).

NM_000256.3(MYBPC3):c.2414G>A (p.Gly805Asp)

Gene: MYBPC3 (myosin binding protein C3; minus strand). Cytogenetic location: 11p11.2.
Variant type: single nucleotide variant.
Coding change: c.2414G>A on transcript NM_000256.3 (MANE Select); coding-DNA position 2414, G replaced by A.
Protein change: p.Gly805Asp; replaces glycine 805 with aspartic acid.
Molecular consequence: missense variant.
Genome position (GRCh38, 1-based): chr11:47,337,579, C>T on the plus strand (G>A on the coding strand, the complement: MYBPC3 is on the minus strand). VCF-style: chr11-47337579-C-T. GRCh37 (hg19) VCF-style: chr11-47359130-C-T.
Other names: p.G805D:GGC>GAC; c.2414G>A, p.Gly805Asp (LRG_386t1); short protein forms G805D.
Identifiers: ClinVar variation 180969 (VCV000180969.6), dbSNP rs730880566, ClinGen allele CA012226.